The following is an entry in ClinVar:

NC_000022.11:g.(?_28695121)_(28703572_?)del

Gene: CHEK2 (checkpoint kinase 2; minus strand). Cytogenetic location: 22q12.1.
Variant type: Deletion.
Identifiers: ClinVar variation 460663 (VCV000460663.2).

ClinVar aggregate classification (germline): Pathogenic (1 of 4 stars; one submission).

Conditions:
Familial cancer of breast. Also called: BREAST CANCER, FAMILIAL; hereditary breast carcinoma; Hereditary breast cancer. Identifiers: Orphanet 227535, MedGen C0346153, MONDO:0016419, OMIM 114480. Disease mechanism: loss of function.

Submission:

Labcorp Genetics (formerly Invitae), Labcorp
Classification: Pathogenic for Familial cancer of breast. Last evaluated: 2017-12-30. Review status: criteria provided, single submitter. Criteria: Invitae Variant Classification Sherloc (09022015). Collection method: clinical testing. Allele origin: germline.
Comment: This variant is an out-of-frame deletion of the genomic region encompassing exons 8-12 of the CHEK2 gene. This creates a premature translational stop signal and is expected to result in an absent or disrupted protein product. This variant has not been reported in the literature in individuals with CHEK2-related disease. Loss-of-function variants in CHEK2 are known to be pathogenic (PMID: 21876083, 24713400). For these reasons, this variant has been classified as Pathogenic.